The following is an entry in ClinVar:

NC_000005.9:g.(?_58270491)_(58289312_?)dup

Gene: PDE4D (phosphodiesterase 4D; minus strand). Cytogenetic location: 5q11.2.
Variant type: Duplication.
Identifiers: ClinVar variation 3246468 (VCV003246468.1).

ClinVar aggregate classification (germline): Uncertain significance (1 of 4 stars; one submission).

Submission:

Labcorp Genetics (formerly Invitae), Labcorp
Classification: Uncertain significance. Last evaluated: 2023-08-17. Review status: criteria provided, single submitter. Criteria: Invitae Variant Classification Sherloc (09022015). Collection method: clinical testing. Allele origin: unknown.
Comment: This variant has not been reported in the literature in individuals affected with PDE4D-related conditions. This variant results in a copy number gain of the genomic region encompassing exon(s) 7-15 of the PDE4D gene. This region includes the termination codon of the gene. This copy number gain extends beyond the assayed region for this gene and therefore may encompass additional genes. As the precise location of this event is unknown, it may be in tandem or it may be located elsewhere in the genome. In summary, the available evidence is currently insufficient to determine the role of this variant in disease. Therefore, it has been classified as a Variant of Uncertain Significance.